The following is an entry in ClinVar:

NM_015254.4(KIF13B):c.748A>T (p.Ser250Cys)

Gene: KIF13B (kinesin family member 13B; minus strand). Cytogenetic location: 8p12.
Variant type: single nucleotide variant.
Coding change: c.748A>T on transcript NM_015254.4 (MANE Select); coding-DNA position 748, A replaced by T.
Protein change: p.Ser250Cys; replaces serine 250 with cysteine.
Molecular consequence: missense variant.
Genome position (GRCh38, 1-based): chr8:29,177,551, T>A on the plus strand (A>T on the coding strand, the complement: KIF13B is on the minus strand). VCF-style: chr8-29177551-T-A. GRCh37 (hg19) VCF-style: chr8-29035068-T-A.
Other names: short protein forms S250C.
Identifiers: ClinVar variation 4881424 (VCV004881424.2).

ClinVar aggregate classification (germline): Uncertain significance (1 of 4 stars; one submission).

Submission:

Dasa
Classification: Uncertain significance. Last evaluated: 2024-12-09. Review status: criteria provided, single submitter. Criteria: DASA Assertion Criteria. Collection method: clinical testing. Allele origin: germline.
Comment: NM_015254.4(KIF13B):c.748A>T (p.Ser250Cys) is a missense variant that results in the substitution of serine with cysteine. This variant is absent from population databases. Computational prediction algorithms are consistent with a deleterious effect. The currently available literature and clinical evidence are not sufficient to establish a definitive association between this variant and the reported condition. Therefore, this variant is classified as a variant of uncertain significance.